The following is an entry in ClinVar:

ClinVar aggregate classification (germline): Uncertain significance (1 of 4 stars; one submission).

Submission:

Quest Diagnostics Nichols Institute San Juan Capistrano
Classification: Uncertain significance. Last evaluated: 2025-03-31. Review status: criteria provided, single submitter. Criteria: Quest Diagnostics criteria. Collection method: clinical testing. Allele origin: unknown.
Comment: The MSH6 c.3209G>C (p.Gly1070Ala) variant has not been reported in individuals with MSH6-related conditions in the published literature. It also has not been reported in large, multi-ethnic general populations (Genome Aggregation Database). Analysis of this variant using bioinformatics tools for the prediction of the effect of amino acid changes on protein structure and function yielded predictions that this variant is benign. Based on the available information, we are unable to determine the clinical significance of this variant.

NM_000179.3(MSH6):c.3209G>C (p.Gly1070Ala)

Gene: MSH6 (mutS homolog 6; plus strand). Cytogenetic location: 2p16.3.
Variant type: single nucleotide variant.
Coding change: c.3209G>C on transcript NM_000179.3 (MANE Select); coding-DNA position 3209, G replaced by C.
Protein change: p.Gly1070Ala; replaces glycine 1070 with alanine.
Molecular consequence: missense variant. On other transcripts: 5 prime UTR variant (1), non-coding transcript variant (5), intron variant (1).
Genome position (GRCh38, 1-based): chr2:47,803,456, G>C. VCF-style: chr2-47803456-G-C. GRCh37 (hg19) VCF-style: chr2-48030595-G-C.
Other names: c.2819G>C, p.Gly940Ala (NM_001281492.2); c.2303G>C, p.Gly768Ala (NM_001281493.2, NM_001406811.1, NM_001406812.1 and 6 more transcripts); c.2912G>C, p.Gly971Ala (NM_001406805.1, NM_001406825.1, NM_001406827.1 and 10 more transcripts); c.2684G>C, p.Gly895Ala (NM_001406806.1, NM_001406807.1, NM_001406799.1); c.3209G>C, p.Gly1070Ala (NM_001406808.1, NM_001406809.1, NM_001406796.1 and 1 more transcripts); c.3215G>C, p.Gly1072Ala (NM_001406813.1); c.3041G>C, p.Gly1014Ala (NM_001406826.1); c.-11G>C (NM_001406831.1); and 7 more; short protein forms G1044A, G1072A, G548A, G782A, G1014A, G1102A, G768A, G895A.
Identifiers: ClinVar variation 3572002 (VCV003572002.2).